The following is an entry in ClinVar:

NC_000005.9:g.(?_145239296)_(145252531_?)del

Gene: GRXCR2 (glutaredoxin and cysteine rich domain containing 2; minus strand). Cytogenetic location: 5q32.
Variant type: Deletion.
Identifiers: ClinVar variation 3246459 (VCV003246459.1).

ClinVar aggregate classification (germline): Pathogenic (1 of 4 stars; one submission).

Submission:

Labcorp Genetics (formerly Invitae), Labcorp
Classification: Pathogenic. Last evaluated: 2022-11-29. Review status: criteria provided, single submitter. Criteria: Invitae Variant Classification Sherloc (09022015). Collection method: clinical testing. Allele origin: unknown.
Comment: This variant has not been reported in the literature in individuals affected with GRXCR2-related conditions. For these reasons, this variant has been classified as Pathogenic. A gross deletion of the genomic region encompassing the full coding sequence of the GRXCR2 gene has been identified. Loss-of-function variants in GRXCR2 are known to be pathogenic (PMID: 24619944, 33528103). The boundaries of this event are unknown as they extend beyond the assayed region for this gene and therefore may encompass additional genes.

Literature cited by the submitters: PubMed 24619944; PubMed 33528103.